The following is an entry in ClinVar:

ClinVar aggregate classification (germline): Uncertain significance (1 of 4 stars; one submission).

Conditions:
Dyskeratosis congenita, autosomal recessive 6 (DKCB6). Identifiers: MedGen C4225356, MONDO:0014600, OMIM 616353.
Pulmonary fibrosis and/or bone marrow failure, Telomere-related, 4. Also called: PULMONARY FIBROSIS AND/OR BONE MARROW FAILURE SYNDROME, TELOMERE-RELATED, 4. Identifiers: Orphanet 2032, MedGen C4225347, MONDO:0014612, OMIM 616371.

Allele frequency attached by ClinVar (database versions not stated): gnomAD 0.00002.
gnomAD v4.1: 11 of 1,592,612 alleles (0.00069%); highest among the groups gnomAD compares: African/African-American, 0.0013%; no homozygotes.

Submission:

Labcorp Genetics (formerly Invitae), Labcorp
Classification: Uncertain significance for Dyskeratosis congenita, autosomal recessive 6; Pulmonary fibrosis and/or bone marrow failure, Telomere-related, 4. Last evaluated: 2019-10-21. Review status: criteria provided, single submitter. Criteria: Invitae Variant Classification Sherloc (09022015). Collection method: clinical testing. Allele origin: germline.
Comment: Algorithms developed to predict the effect of missense changes on protein structure and function output the following: SIFT: "Tolerated"; PolyPhen-2: "Benign"; Align-GVGD: "Class C0". The cysteine amino acid residue is found in multiple mammalian species, suggesting that this missense change does not adversely affect protein function. These predictions have not been confirmed by published functional studies and their clinical significance is uncertain. This variant has not been reported in the literature in individuals with PARN-related conditions. In summary, the available evidence is currently insufficient to determine the role of this variant in disease. Therefore, it has been classified as a Variant of Uncertain Significance. This sequence change replaces tyrosine with cysteine at codon 301 of the PARN protein (p.Tyr301Cys). The tyrosine residue is moderately conserved and there is a large physicochemical difference between tyrosine and cysteine. This variant is not present in population databases (ExAC no frequency).

NM_002582.4(PARN):c.902A>G (p.Tyr301Cys)

Gene: PARN (poly(A)-specific ribonuclease; minus strand). Cytogenetic location: 16p13.12.
Variant type: single nucleotide variant.
Coding change: c.902A>G on transcript NM_002582.4 (MANE Select); coding-DNA position 902, A replaced by G.
Protein change: p.Tyr301Cys; replaces tyrosine 301 with cysteine.
Molecular consequence: missense variant.
Genome position (GRCh38, 1-based): chr16:14,593,317, T>C on the plus strand (A>G on the coding strand, the complement: PARN is on the minus strand). VCF-style: chr16-14593317-T-C. GRCh37 (hg19) VCF-style: chr16-14687174-T-C.
Other names: c.719A>G, p.Tyr240Cys (NM_001134477.3); c.764A>G, p.Tyr255Cys (NM_001242992.2); short protein forms Y240C, Y301C, Y255C.
Identifiers: ClinVar variation 963566 (VCV000963566.10), dbSNP rs942688617, ClinGen allele CA278518561.